The following is an entry in ClinVar:

ClinVar aggregate classification (germline): Likely pathogenic (1 of 4 stars; one submission).

Conditions:
Neurodevelopmental disorder with or without hyperkinetic movements and seizures, autosomal dominant. Also called: Intellectual disability, autosomal dominant 8. Identifiers: MedGen C3280282, MONDO:0013655, OMIM 614254.

Submission:

Labcorp Genetics (formerly Invitae), Labcorp
Classification: Likely pathogenic for Neurodevelopmental disorder with or without hyperkinetic movements and seizures, autosomal dominant. Last evaluated: 2023-07-31. Review status: criteria provided, single submitter. Criteria: Invitae Variant Classification Sherloc (09022015). Collection method: clinical testing. Allele origin: germline.
Comment: In summary, the currently available evidence indicates that the variant is pathogenic, but additional data are needed to prove that conclusively. Therefore, this variant has been classified as Likely Pathogenic. Algorithms developed to predict the effect of sequence changes on RNA splicing suggest that this variant may disrupt the consensus splice site. This variant has not been reported in the literature in individuals affected with GRIN1-related conditions. This variant is not present in population databases (gnomAD no frequency). This sequence change affects an acceptor splice site in intron 9 of the GRIN1 gene. It is expected to disrupt RNA splicing. Variants that disrupt the donor or acceptor splice site typically lead to a loss of protein function (PMID: 16199547), and loss-of-function variants in GRIN1 are known to be pathogenic (PMID: 27164704, 35393335).

Literature cited by the submitters: PubMed 16199547; PubMed 27164704; PubMed 35393335.

NM_007327.4(GRIN1):c.1340-1del

Gene: GRIN1 (glutamate ionotropic receptor NMDA type subunit 1; plus strand). Cytogenetic location: 9q34.3.
Variant type: Deletion.
Coding change: c.1340-1del on transcript NM_007327.4 (MANE Select); the canonical splice acceptor site of the intron before coding-DNA position 1340, one base deleted (G; older notation c.1340-1delG).
Molecular consequence: splice acceptor variant.
Genome position (GRCh38, 1-based): chr9:137,161,288, G deleted. VCF-style (leftmost placement, unchanged base first): chr9-137161287-AG-A. GRCh37 (hg19) VCF-style: chr9-140055739-AG-A.
Other names: c.1403-1del (NM_001185090.2, NM_001185091.2); c.1340-1del (NM_021569.4, NM_000832.7).
Identifiers: ClinVar variation 2748611 (VCV002748611.3), dbSNP rs2538626201, ClinGen allele CA2697558206.
Genomic context (GRCh38, chr9:137,161,287, plus strand): 5'-GGGGCAGGGCGCGGGGCGTGGGGCGGTCTGGAGCCCAGCAGTTACCGCCCGCACCTACCC[AG>A]CCCGCCACACGGTGCCTCAGTGTTGCTACGGCTTTTGCATCGACCTGCTCATCAAGCTGG-3'